The following is an entry in ClinVar:

ClinVar aggregate classification (germline): Conflicting classifications of pathogenicity. Review status: criteria provided, conflicting classifications (1 of 4 stars). 3 submissions from 3 submitters: Uncertain significance (1); Likely benign (2). Last evaluated 2025-06-27.

Conditions:
Developmental and epileptic encephalopathy, 42 (DEE42A). Also called: DEVELOPMENTAL AND EPILEPTIC ENCEPHALOPATHY 42A; EPILEPTIC ENCEPHALOPATHY, EARLY INFANTILE, 42A; Epileptic encephalopathy, early infantile, 42. Identifiers: MedGen C4310716, MONDO:0014917, OMIM 617106.
Episodic ataxia type 2 (EA2). Also called: ATAXIA, EPISODIC, WITH NYSTAGMUS; ATAXIA, FAMILIAL PAROXYSMAL; CEREBELLAR ATAXIA, PAROXYSMAL, ACETAZOLAMIDE-RESPONSIVE; CEREBELLOPATHY, HEREDITARY PAROXYSMAL; ACETAZOLAMIDE-RESPONSIVE HEREDITARY PAROXYSMAL CEREBELLAR ATAXIA; EPISODIC ATAXIA, NYSTAGMUS-ASSOCIATED. Identifiers: Orphanet 97, MedGen C1720416, MONDO:0007163, OMIM 108500.

Allele frequency attached by ClinVar (database versions not stated): gnomAD 0.00002 and 0.00003; TOPMed 0.00003; gnomAD exomes 0.00007 and 0.00008; 1000 Genomes Project 30x 0.00016; ExAC 0.00031.
gnomAD v4.1: 108 of 1,534,934 alleles (0.007%); highest among the groups gnomAD compares: South Asian, 0.013%; no homozygotes.

Submissions (3):

Labcorp Genetics (formerly Invitae), Labcorp
Classification: Likely benign for Developmental and epileptic encephalopathy, 42; Episodic ataxia type 2. Last evaluated: 2025-06-27. Review status: criteria provided, single submitter. Criteria: Invitae Variant Classification Sherloc (09022015). Collection method: clinical testing. Allele origin: germline.

CeGaT Center for Human Genetics Tuebingen
Classification: Uncertain significance. Last evaluated: 2024-06-01. Review status: criteria provided, single submitter. Criteria: CeGaT Center For Human Genetics Tuebingen Variant Classification Criteria Version 2. Collection method: clinical testing. Allele origin: germline. Affected: yes. Observed: 1 variant allele.
Comment: CACNA1A: PP3

GeneDx
Classification: Likely benign. Last evaluated: 2019-12-11. Review status: criteria provided, single submitter. Criteria: GeneDx Variant Classification Process June 2021. Collection method: clinical testing. Allele origin: germline. Affected: yes.
Comment: This variant is associated with the following publications: (PMID: 28566750)

NM_001127222.2(CACNA1A):c.6662C>T (p.Pro2221Leu)

Gene: CACNA1A (calcium voltage-gated channel subunit alpha1 A; minus strand). Cytogenetic location: 19p13.13.
Variant type: single nucleotide variant.
Coding change: c.6662C>T on transcript NM_001127222.2 (MANE Select); coding-DNA position 6662, C replaced by T.
Protein change: p.Pro2221Leu; replaces proline 2221 with leucine.
Molecular consequence: missense variant.
Genome position (GRCh38, 1-based): chr19:13,208,874, G>A on the plus strand (C>T on the coding strand, the complement: CACNA1A is on the minus strand). VCF-style: chr19-13208874-G-A. GRCh37 (hg19) VCF-style: chr19-13319688-G-A.
Other names: c.6680C>T, p.Pro2227Leu (NM_000068.4, NM_023035.3); c.6665C>T, p.Pro2222Leu (NM_001127221.2); c.6671C>T, p.Pro2224Leu (NM_001174080.2); short protein forms P2222L, P2227L, P2221L, P2224L.
Identifiers: ClinVar variation 387200 (VCV000387200.27), dbSNP rs778551911, ClinGen allele CA9239296.